The following is an entry in ClinVar:

NM_001191061.2(SLC25A22):c.-163-206del

Gene: SLC25A22 (solute carrier family 25 member 22; minus strand). Cytogenetic location: 11p15.5.
Variant type: Deletion.
Coding change: c.-163-206del on transcript NM_001191061.2 (MANE Select); 206 bases into the intron before 163 bases upstream of the start codon, one base deleted (A; older notation c.-163-206delA).
Molecular consequence: intron variant.
Genome position (GRCh38, 1-based): chr11:795,375, T deleted on the plus strand (A on the coding strand, the reverse complement: SLC25A22 is on the minus strand). VCF-style (leftmost placement, unchanged base first): chr11-795374-CT-C. GRCh37 (hg19) VCF-style: chr11-795374-CT-C.
Other names: c.-163-206del (NM_001191060.2, NM_024698.6).
Identifiers: ClinVar variation 670574 (VCV000670574.1), dbSNP rs138179760, ClinGen allele CA216948011.
Genomic context (GRCh38, chr11:795,374, plus strand): 5'-CACCTGCCACCCAGTCCCATGCTCACCCCTGGGACCACCTGGCTTCCTTTCAGTCCCCCC[CT>C]CCCCACCGCCAGCGTCTTCCCAGCCAGCCTCACACGCCGCTCACGCTCGGGGCTCACGTG-3'

ClinVar aggregate classification (germline): Benign (1 of 4 stars; one submission).

Allele frequency attached by ClinVar (database versions not stated): gnomAD exomes 0.65232; gnomAD 0.86902; 1000 Genomes Project 30x 0.90053; 1000 Genomes Project 0.92851.

Submission:

GeneDx
Classification: Benign. Last evaluated: 2018-06-18. Review status: criteria provided, single submitter. Criteria: GeneDx Variant Classification (06012015). Collection method: clinical testing. Allele origin: germline. Affected: yes.
Comment: This variant is considered likely benign or benign based on one or more of the following criteria: it is a conservative change, it occurs at a poorly conserved position in the protein, it is predicted to be benign by multiple in silico algorithms, and/or has population frequency not consistent with disease.